The following is an entry in ClinVar:

NM_016333.4(SRRM2):c.5122C>A (p.Arg1708Ser)

Gene: SRRM2 (serine/arginine repetitive matrix 2; plus strand). Cytogenetic location: 16p13.3.
Variant type: single nucleotide variant.
Coding change: c.5122C>A on transcript NM_016333.4 (MANE Select); coding-DNA position 5122, C replaced by A.
Protein change: p.Arg1708Ser; replaces arginine 1708 with serine.
Molecular consequence: missense variant.
Genome position (GRCh38, 1-based): chr16:2,765,650, C>A. VCF-style: chr16-2765650-C-A. GRCh37 (hg19) VCF-style: chr16-2815651-C-A.
Other names: short protein forms R1708S.
Identifiers: ClinVar variation 3661277 (VCV003661277.2).
Genomic context (GRCh38, chr16:2,765,650, plus strand): 5'-CGTCGCAGCTCTCGATCATCTCCGGAGCTAACAAGGAAGGCCAGACTGTCCCGTAGAAGC[C>A]GCTCTGCCTCATCCTCACCAGAAACTCGCTCTAGAACTCCCCCAAGGCACCGGAGAAGTC-3'
Protein context (NP_057417.3, residues 1698-1718): TRKARLSRRS[Arg1708Ser]SASSSPETRS

ClinVar aggregate classification (germline): Uncertain significance (1 of 4 stars; one submission).

Submission:

Labcorp Genetics (formerly Invitae), Labcorp
Classification: Uncertain significance. Last evaluated: 2024-08-02. Review status: criteria provided, single submitter. Criteria: Invitae Variant Classification Sherloc (09022015). Collection method: clinical testing. Allele origin: germline.
Comment: This sequence change replaces arginine, which is basic and polar, with serine, which is neutral and polar, at codon 1708 of the SRRM2 protein (p.Arg1708Ser). This variant is not present in population databases (gnomAD no frequency). This variant has not been reported in the literature in individuals affected with SRRM2-related conditions. Experimental studies and prediction algorithms are not available or were not evaluated, and the functional significance of this variant is currently unknown. In summary, the available evidence is currently insufficient to determine the role of this variant in disease. Therefore, it has been classified as a Variant of Uncertain Significance.